The following is an entry in ClinVar:

NM_021625.5(TRPV4):c.746G>A (p.Arg249His)

Gene: TRPV4 (transient receptor potential cation channel subfamily V member 4; minus strand). Cytogenetic location: 12q24.11.
Variant type: single nucleotide variant.
Coding change: c.746G>A on transcript NM_021625.5 (MANE Select); coding-DNA position 746, G replaced by A.
Protein change: p.Arg249His; replaces arginine 249 with histidine.
Molecular consequence: missense variant. On other transcripts: intron variant (2).
Genome position (GRCh38, 1-based): chr12:109,800,725, C>T on the plus strand (G>A on the coding strand, the complement: TRPV4 is on the minus strand). VCF-style: chr12-109800725-C-T. GRCh37 (hg19) VCF-style: chr12-110238530-C-T.
Other names: c.644G>A, p.Arg215His (NM_001177431.2); c.746G>A, p.Arg249His (NM_147204.3); c.713-1813G>A (NM_001177433.1, NM_001177428.1); short protein forms R249H, R215H.
Identifiers: ClinVar variation 576477 (VCV000576477.19), dbSNP rs771294425, ClinGen allele CA6780432.

ClinVar aggregate classification (germline): Conflicting classifications of pathogenicity. Review status: criteria provided, conflicting classifications (1 of 4 stars). 6 submissions from 6 submitters: Uncertain significance (5); Likely benign (1). Last evaluated 2026-06-26.

Conditions:
TRPV4-related disorder. Also called: TRPV4-related disorders; TRPV4-related condition.
Inborn genetic diseases. Identifiers: MedGen C0950123, MeSH D030342.
Charcot-Marie-Tooth disease. Also called: Charcot-Marie-Tooth Neuropathy; Charcot-Marie-Tooth Hereditary Neuropathy. Identifiers: Orphanet 166, MedGen C0007959, MONDO:0015626.
Charcot-Marie-Tooth disease axonal type 2C (HMSN2C). Also called: CHARCOT-MARIE-TOOTH DISEASE, AXONAL, AUTOSOMAL DOMINANT, TYPE 2C; Charcot-Marie-Tooth Neuropathy Type 2C; Charcot-Marie-Tooth Disease Type 2, TRPV4-Related (CMT2C). Identifiers: Orphanet 99937, MedGen C1853710, MONDO:0011633, OMIM 606071.

Allele frequency attached by ClinVar (database versions not stated): gnomAD 0.00006 and 0.00007; gnomAD exomes 0.00016; ExAC 0.00004; TOPMed 0.00007.
gnomAD v4.1: 237 of 1,613,880 alleles (0.015%); highest among the groups gnomAD compares: Non-Finnish European, 0.019%; no homozygotes.

Submissions (6):

PreventionGenetics, part of Exact Sciences
Classification: Uncertain significance for TRPV4-related condition. Last evaluated: 2026-06-26. Review status: criteria provided, single submitter. Criteria: ACMG Guidelines, 2015. Collection method: clinical testing. Allele origin: germline.
Comment: The TRPV4 c.746G>A variant is predicted to result in the amino acid substitution p.Arg249His. This variant has been reported as a variant of uncertain significance in individuals from large cohort studies of Charcot-Marie-Tooth disease; however, additional evidence was not provided (Supp. Table 2, Volodarsky et al. 2021. PubMed ID: 32376792. This variant is reported in 0.015% of alleles in individuals of European (non-Finnish) descent in gnomAD, which may be too frequent to be a primary cause of disease. Although we suspect that this variant may be benign, at this time, the clinical significance of this variant is uncertain due to the absence of conclusive functional and genetic evidence.

Labcorp Genetics (formerly Invitae), Labcorp
Classification: Uncertain significance for Charcot-Marie-Tooth disease axonal type 2C. Last evaluated: 2026-01-25. Review status: criteria provided, single submitter. Criteria: Invitae Variant Classification Sherloc (09022015). Collection method: clinical testing. Allele origin: germline.
Comment: This sequence change replaces arginine, which is basic and polar, with histidine, which is basic and polar, at codon 249 of the TRPV4 protein (p.Arg249His). This variant is present in population databases (rs771294425, gnomAD 0.02%). This missense change has been observed in individual(s) with clinical features of Charcot-Marie-Tooth disease (PMID: 32376792). ClinVar contains an entry for this variant (Variation ID: 576477). Invitae Evidence Modeling of protein sequence and biophysical properties (such as structural, functional, and spatial information, amino acid conservation, physicochemical variation, residue mobility, and thermodynamic stability) indicates that this missense variant is expected to disrupt TRPV4 protein function with a positive predictive value of 95%. In summary, the available evidence is currently insufficient to determine the role of this variant in disease. Therefore, it has been classified as a Variant of Uncertain Significance.

GeneDx
Classification: Uncertain significance. Last evaluated: 2024-10-31. Review status: criteria provided, single submitter. Criteria: GeneDx Variant Classification Process June 2021. Collection method: clinical testing. Allele origin: germline.
Comment: Reported previously as a variant of uncertain significance in a patient with suspected CMT in published literature; however, no further clinical or segregation information was provided (PMID: 32376792); In silico analysis supports that this missense variant has a deleterious effect on protein structure/function; This variant is associated with the following publications: (PMID: 32376792)

Mayo Clinic Laboratories, Mayo Clinic
Classification: Uncertain significance. Last evaluated: 2020-10-12. Review status: criteria provided, single submitter. Criteria: ACMG Guidelines, 2015. Collection method: clinical testing. Allele origin: germline. Observed: 1 variant allele.

Ambry Genetics
Classification: Likely benign for Inborn genetic diseases. Last evaluated: 2020-06-18. Review status: criteria provided, single submitter. Criteria: Ambry Variant Classification Scheme 2023. Collection method: clinical testing. Allele origin: germline.

Molecular Genetics Laboratory, London Health Sciences Centre
Classification: Uncertain significance for Charcot-Marie-Tooth disease. Review status: criteria provided, single submitter. Criteria: ACMG Guidelines, 2015. Collection method: clinical testing. Allele origin: germline. Affected: yes.

Literature cited by the submitters: PubMed 32376792 (cited by Labcorp Genetics (formerly Invitae), Labcorp).